The following is an entry in ClinVar:

NM_000052.7(ATP7A):c.3517C>T (p.Leu1173Phe)

Gene: ATP7A (ATPase copper transporting alpha; plus strand). Cytogenetic location: Xq21.1.
Variant type: single nucleotide variant.
Coding change: c.3517C>T on transcript NM_000052.7 (MANE Select); coding-DNA position 3517, C replaced by T.
Protein change: p.Leu1173Phe; replaces leucine 1173 with phenylalanine.
Molecular consequence: missense variant. On other transcripts: non-coding transcript variant (1).
Genome position (GRCh38, 1-based): chrX:78,038,841, C>T. VCF-style: chrX-78038841-C-T. GRCh37 (hg19) VCF-style: chrX-77294339-C-T.
Other names: c.3283C>T, p.Leu1095Phe (NM_001282224.2); short protein forms L1095F, L1173F.
Identifiers: ClinVar variation 2042110 (VCV002042110.4), dbSNP rs1480388236, ClinGen allele CA413604352.

ClinVar aggregate classification (germline): Uncertain significance (1 of 4 stars; one submission).

Conditions:
Menkes kinky-hair syndrome (MNK). Also called: Copper transport disease; Menkes Disease; Classic Menkes Disease. Identifiers: Orphanet 565, MedGen C0022716, MONDO:0010651, OMIM 309400.
X-linked distal spinal muscular atrophy type 3. Also called: ATP7A-Related Distal Motor Neuropathy; SPINAL MUSCULAR ATROPHY, DISTAL, X-LINKED RECESSIVE; NEURONOPATHY, DISTAL HEREDITARY MOTOR, X-LINKED; NEUROPATHY, DISTAL HEREDITARY MOTOR, X-LINKED. Identifiers: Orphanet 139557, MedGen C1845359, MONDO:0010338, OMIM 300489.
Cutis laxa, X-linked (OHS). Also called: EDS IX; Occipital horn syndrome. Identifiers: Orphanet 198, MedGen C0268353, MONDO:0010572, OMIM 304150.

Allele frequency attached by ClinVar (database versions not stated): gnomAD exomes below 0.00001.
gnomAD v4.1: 3 of 1,208,872 alleles (0.00025%); highest among the groups gnomAD compares: African/African-American, 0.0035%; no homozygotes.

Submission:

Labcorp Genetics (formerly Invitae), Labcorp
Classification: Uncertain significance for X-linked distal spinal muscular atrophy type 3; Cutis laxa, X-linked; Menkes kinky-hair syndrome. Last evaluated: 2023-10-04. Review status: criteria provided, single submitter. Criteria: Invitae Variant Classification Sherloc (09022015). Collection method: clinical testing. Allele origin: germline.
Comment: This sequence change replaces leucine, which is neutral and non-polar, with phenylalanine, which is neutral and non-polar, at codon 1173 of the ATP7A protein (p.Leu1173Phe). This variant is not present in population databases (gnomAD no frequency). This variant has not been reported in the literature in individuals affected with ATP7A-related conditions. ClinVar contains an entry for this variant (Variation ID: 2042110). Advanced modeling of protein sequence and biophysical properties (such as structural, functional, and spatial information, amino acid conservation, physicochemical variation, residue mobility, and thermodynamic stability) performed at Invitae indicates that this missense variant is not expected to disrupt ATP7A protein function. In summary, the available evidence is currently insufficient to determine the role of this variant in disease. Therefore, it has been classified as a Variant of Uncertain Significance.